The following is an entry in ClinVar:

NM_000390.4(CHM):c.1664G>C (p.Arg555Thr)

Gene: CHM (CHM Rab escort protein; minus strand). Cytogenetic location: Xq21.2.
Variant type: single nucleotide variant.
Coding change: c.1664G>C on transcript NM_000390.4 (MANE Select); coding-DNA position 1664, G replaced by C.
Protein change: p.Arg555Thr; replaces arginine 555 with threonine.
Molecular consequence: missense variant.
Genome position (GRCh38, 1-based): chrX:85,873,158, C>G on the plus strand (G>C on the coding strand, the complement: CHM is on the minus strand). VCF-style: chrX-85873158-C-G. GRCh37 (hg19) VCF-style: chrX-85128163-C-G.
Other names: c.1220G>C, p.Arg407Thr (NM_001320959.1, NM_001362517.1, NM_001362518.2 and 1 more transcripts); c.1664G>C (NM_000390.3); short protein forms R555T, R407T.
Identifiers: ClinVar variation 947713 (VCV000947713.13), dbSNP rs143212912, ClinGen allele CA332648285.

ClinVar aggregate classification (germline): Uncertain significance. Review status: criteria provided, multiple submitters, no conflicts (2 of 4 stars). 6 submissions from 6 submitters: Uncertain significance (5). 1 of the submissions does not count toward it. Last evaluated 2025-06-08.

Conditions:
CHM-related disorder. Also called: CHM-related condition.
Inborn genetic diseases. Identifiers: MedGen C0950123, MeSH D030342.
Choroideremia. Also called: Chorioretinal scalloped atrophy. Identifiers: Orphanet 180, MedGen C0008525, MONDO:0010557, OMIM 303100, HP:0001139.

Allele frequency attached by ClinVar (database versions not stated): gnomAD 0.00001; gnomAD exomes 0.00001 and 0.00009; TOPMed 0.00002; ESP Exome Variant Server 0.00009.
gnomAD v4.1: 98 of 1,205,757 alleles (0.0081%); highest among the groups gnomAD compares: Non-Finnish European, 0.01%; no homozygotes.

Submissions (6):

Labcorp Genetics (formerly Invitae), Labcorp
Classification: Uncertain significance. Last evaluated: 2025-06-08. Review status: criteria provided, single submitter. Criteria: Invitae Variant Classification Sherloc (09022015). Collection method: clinical testing. Allele origin: germline.
Comment: This sequence change replaces arginine, which is basic and polar, with threonine, which is neutral and polar, at codon 555 of the CHM protein (p.Arg555Thr). This variant is present in population databases (rs143212912, gnomAD 0.001%). This variant has not been reported in the literature in individuals affected with CHM-related conditions. ClinVar contains an entry for this variant (Variation ID: 947713). Invitae Evidence Modeling of protein sequence and biophysical properties (such as structural, functional, and spatial information, amino acid conservation, physicochemical variation, residue mobility, and thermodynamic stability) indicates that this missense variant is not expected to disrupt CHM protein function with a negative predictive value of 80%. In summary, the available evidence is currently insufficient to determine the role of this variant in disease. Therefore, it has been classified as a Variant of Uncertain Significance.

PreventionGenetics, part of Exact Sciences
Classification: Uncertain significance for CHM-related condition. Last evaluated: 2025-01-10. Review status: criteria provided, single submitter. Criteria: ACMG Guidelines, 2015. Collection method: clinical testing. Allele origin: germline.
Comment: The CHM c.1664G>C variant is predicted to result in the amino acid substitution p.Arg555Thr. To our knowledge, this variant has not been reported in the literature. This variant is reported in 0.0025% of alleles in individuals of European (Non-Finnish) descent in gnomAD, including 25 hemizygotes in the latest dataset. Although we suspect that this variant may be benign, at this time, the clinical significance of this variant is uncertain due to the absence of conclusive functional and genetic evidence.

Ambry Genetics
Classification: Uncertain significance for Inborn genetic diseases. Last evaluated: 2023-09-29. Review status: criteria provided, single submitter. Criteria: Ambry Variant Classification Scheme 2023. Collection method: clinical testing. Allele origin: germline.

Blueprint Genetics
Classification: Uncertain significance. Last evaluated: 2022-11-01. Review status: criteria provided, single submitter. Criteria: ACMG Guidelines, 2015. Collection method: clinical testing. Allele origin: germline.

Breakthrough Genomics
Classification: Uncertain significance. Review status: criteria provided, single submitter. Criteria: ACMG Guidelines, 2015. Collection method: not provided. Allele origin: germline. Inheritance: X-linked inheritance. Affected: yes.

Natera, Inc.
Classification: Uncertain significance for Choroideremia. Last evaluated: 2020-02-13. Review status: no assertion criteria provided. Collection method: clinical testing. Allele origin: germline. Not counted in ClinVar's aggregate classification.